The following is an entry in ClinVar:

NM_001363711.2(DUOX2):c.2351A>G (p.Gln784Arg)

Gene: DUOX2 (dual oxidase 2; minus strand). Cytogenetic location: 15q21.1.
Variant type: single nucleotide variant.
Coding change: c.2351A>G on transcript NM_001363711.2 (MANE Select); coding-DNA position 2351, A replaced by G.
Protein change: p.Gln784Arg; replaces glutamine 784 with arginine.
Molecular consequence: missense variant.
Genome position (GRCh38, 1-based): chr15:45,104,349, T>C on the plus strand (A>G on the coding strand, the complement: DUOX2 is on the minus strand). VCF-style: chr15-45104349-T-C. GRCh37 (hg19) VCF-style: chr15-45396547-T-C.
Other names: c.2351A>G (NM_014080.4); c.2351A>G, p.Gln784Arg (NM_014080.5); short protein forms Q784R.
Identifiers: ClinVar variation 1909499 (VCV001909499.6), dbSNP rs2504761844, ClinGen allele CA392269867.
Genomic context (GRCh38, chr15:45,104,349, plus strand): 5'-CAGGTCAGGGCCTCCCGCACCTTCTGGGAGGAGTCCAGGGGCAGGGTCCCTGCGTCGGCC[T>C]GGTTGATGTCCAGCACCTGCACTCGGGCAGCAGCAGAGGGAGGGAAAGAGAAGGAGGTGA-3'
Protein context (NP_001350640.1, residues 774-794): HLFAQVLDIN[Gln784Arg]ADAGTLPLDS

ClinVar aggregate classification (germline): Uncertain significance. Review status: criteria provided, multiple submitters, no conflicts (2 of 4 stars). 2 submissions from 2 submitters: Uncertain significance (2). Last evaluated 2026-02-23.

Conditions:
Inborn genetic diseases. Identifiers: MedGen C0950123, MeSH D030342.

Submissions (2):

Ambry Genetics
Classification: Uncertain significance for Inborn genetic diseases. Last evaluated: 2026-02-23. Review status: criteria provided, single submitter. Criteria: Ambry Variant Classification Scheme 2023. Collection method: clinical testing. Allele origin: germline.

Labcorp Genetics (formerly Invitae), Labcorp
Classification: Uncertain significance. Last evaluated: 2022-09-13. Review status: criteria provided, single submitter. Criteria: Invitae Variant Classification Sherloc (09022015). Collection method: clinical testing. Allele origin: germline.
Comment: This variant has not been reported in the literature in individuals affected with DUOX2-related conditions. In summary, the available evidence is currently insufficient to determine the role of this variant in disease. Therefore, it has been classified as a Variant of Uncertain Significance. Advanced modeling of protein sequence and biophysical properties (such as structural, functional, and spatial information, amino acid conservation, physicochemical variation, residue mobility, and thermodynamic stability) performed at Invitae indicates that this missense variant is not expected to disrupt DUOX2 protein function. This variant is not present in population databases (gnomAD no frequency). This sequence change replaces glutamine, which is neutral and polar, with arginine, which is basic and polar, at codon 784 of the DUOX2 protein (p.Gln784Arg).